The following is an entry in ClinVar:

NM_004646.4(NPHS1):c.1873G>T (p.Ala625Ser)

Gene: NPHS1 (NPHS1 adhesion molecule, nephrin; minus strand). Cytogenetic location: 19q13.12.
Variant type: single nucleotide variant.
Coding change: c.1873G>T on transcript NM_004646.4 (MANE Select); coding-DNA position 1873, G replaced by T.
Protein change: p.Ala625Ser; replaces alanine 625 with serine.
Molecular consequence: missense variant.
Genome position (GRCh38, 1-based): chr19:35,845,425, C>A on the plus strand (G>T on the coding strand, the complement: NPHS1 is on the minus strand). VCF-style: chr19-35845425-C-A. GRCh37 (hg19) VCF-style: chr19-36336327-C-A.
Other names: short protein forms A625S.
Identifiers: ClinVar variation 1049062 (VCV001049062.1), dbSNP rs1973122430, ClinGen allele CA405399035.

ClinVar aggregate classification (germline): Uncertain significance (0 of 4 stars; one submission).

Submission:

Department of Pathology and Laboratory Medicine, Sinai Health System
Classification: Uncertain significance. Review status: no assertion criteria provided. Collection method: clinical testing. Allele origin: unknown. Affected: yes. Study: The Canadian Open Genetics Repository (COGR).
Comment: The NPHS1 p.Ala625Ser variant was not identified in the literature nor was it identified in dbSNP, ClinVar or in the following control databases: the 1000 Genomes Project, the NHLBI GO Exome Sequencing Project, or the Genome Aggregation Database (March 6, 2019, v2.1.1). The p.Ala625 residue is conserved in mammals and computational analyses (PolyPhen-2, SIFT, AlignGVGD, BLOSUM, MutationTaster) provide inconsistent predictions regarding the impact to the protein; this information is not very predictive of pathogenicity. The variant occurs outside of the splicing consensus sequence and 1 of 4 in silico or computational prediction software programs (SpliceSiteFinder, MaxEntScan, NNSPLICE, GeneSplicer) predict a greater than 10% difference in splicing; this is not very predictive of pathogenicity. In summary, based on the above information the clinical significance of this variant cannot be determined with certainty at this time. This variant is classified as a variant of uncertain significance.